The following is an entry in ClinVar:

ClinVar aggregate classification (germline): Pathogenic/Likely pathogenic. Review status: criteria provided, multiple submitters, no conflicts (2 of 4 stars). 4 submissions from 4 submitters: Pathogenic (3); Likely pathogenic (1). Last evaluated 2024-10-17.

Conditions:
Inborn genetic diseases. Identifiers: MedGen C0950123, MeSH D030342.
Ocular cystinosis. Also called: Non-Nephropathic Cystinosis; Non-Nephropathic (Ocular) Cystinosis. Identifiers: Orphanet 213, Orphanet 411641, MedGen C2931013, MONDO:0009064, OMIM 219750.
Juvenile nephropathic cystinosis. Also called: Intermediate Cystinosis; CYSTINOSIS, LATE-ONSET JUVENILE OR ADOLESCENT NEPHROPATHIC TYPE; Later-Onset (Juvenile) Cystinosis. Identifiers: Orphanet 213, Orphanet 411634, MedGen C0268626, MONDO:0009066, OMIM 219900.
Nephropathic cystinosis (CTNS). Also called: Abderhalden Lignac Kaufmann disease; Abderhalden-Kaufmann-Lignac syndrome; CYSTINOSIN, DEFECT OF; LYSOSOMAL CYSTINE TRANSPORT PROTEIN, DEFECT OF. Identifiers: Orphanet 213, Orphanet 411629, MedGen C2931187, MONDO:0100151, OMIM 219800.
Cystinosis. Also called: Cystine diathesis; Cystine storage disease; Cystinoses. Identifiers: Orphanet 213, MedGen C4316899, MONDO:0016239.

Allele frequency attached by ClinVar (database versions not stated): TOPMed 0.00001; gnomAD exomes below 0.00001.
gnomAD v4.1: 1 of 1,613,494 alleles (0.000062%); highest among the groups gnomAD compares: Admixed American, 0.0017%; no homozygotes.

Submissions (4):

Natera, Inc.
Classification: Likely pathogenic for Cystinosis. Last evaluated: 2024-10-17. Review status: criteria provided, single submitter. Criteria: Natera Variant Classification Schema (03/2026). Collection method: clinical testing. Allele origin: germline.
Comment: The c.61+5G>A variant in CTNS is an intronic variant located outside the canonical splice sites. This variant is rare in the general population with a frequency below the threshold expected for the associated phenotype(s). This variant has been observed in one or more individuals affected with the associated recessive disease, as either homozygous or compound heterozygous with a second variant (PMID: 18752449, 19863563). Functional studies show that this variant may disrupt protein function (PMID: 18752449). Computational prediction algorithms indicate this variant is likely to affect gene or protein function. Given the available evidence, this variant is classified as Likely Pathogenic.

Labcorp Genetics (formerly Invitae), Labcorp
Classification: Pathogenic for Inborn genetic diseases; Ocular cystinosis; Juvenile nephropathic cystinosis. Last evaluated: 2024-07-10. Review status: criteria provided, single submitter. Criteria: Invitae Variant Classification Sherloc (09022015). Collection method: clinical testing. Allele origin: germline.
Comment: This sequence change falls in intron 3 of the CTNS gene. It does not directly change the encoded amino acid sequence of the CTNS protein. RNA analysis indicates that this variant induces altered splicing and is likely to result in the loss of the initiator methionine. This variant is present in population databases (no rsID available, gnomAD 0.003%). This variant has been observed in individual(s) with cystinosis (PMID: 18752449, 19863563; Invitae). This variant is also known as c.400+5G>A. ClinVar contains an entry for this variant (Variation ID: 836956). Variants that disrupt the consensus splice site are a relatively common cause of aberrant splicing (PMID: 17576681, 9536098). Studies have shown that this variant results in skipping of exon 3, and is expected to result in the loss of the initiator methionine (PMID: 18752449). For these reasons, this variant has been classified as Pathogenic.

Baylor Genetics
Classification: Pathogenic for Nephropathic cystinosis. Last evaluated: 2022-08-10. Review status: criteria provided, single submitter. Criteria: ACMG Guidelines, 2015. Collection method: clinical testing. Allele origin: unknown.

Fulgent Genetics
Classification: Pathogenic for Ocular cystinosis; Nephropathic cystinosis; Juvenile nephropathic cystinosis. Last evaluated: 2022-03-11. Review status: criteria provided, single submitter. Criteria: ACMG Guidelines, 2015. Collection method: clinical testing. Allele origin: unknown.

Literature cited by the submitters: PubMed 18752449 (cited by Natera, Inc. and Labcorp Genetics (formerly Invitae), Labcorp); PubMed 19863563 (cited by Natera, Inc. and Labcorp Genetics (formerly Invitae), Labcorp); PubMed 17576681 (cited by Labcorp Genetics (formerly Invitae), Labcorp); PubMed 9536098 (cited by Labcorp Genetics (formerly Invitae), Labcorp).

NM_004937.3(CTNS):c.61+5G>A

Gene: CTNS (cystinosin, lysosomal cystine transporter; plus strand). Cytogenetic location: 17p13.2.
Variant type: single nucleotide variant.
Coding change: c.61+5G>A on transcript NM_004937.3 (MANE Select); 5 bases into the intron after coding-DNA position 61, G replaced by A.
Molecular consequence: intron variant.
Genome position (GRCh38, 1-based): chr17:3,640,272, G>A. VCF-style: chr17-3640272-G-A. GRCh37 (hg19) VCF-style: chr17-3543566-G-A.
Other names: c.61+5G>A (NM_001031681.3, NM_001374492.1); c.-296+5G>A (NM_001374493.1); c.-217+5G>A (NM_001374495.1); c.-381+2956G>A (NM_001374494.1); c.-296+2956G>A (NM_001374496.1).
Identifiers: ClinVar variation 836956 (VCV000836956.13), dbSNP rs1407498555, ClinGen allele CA624536858.